The following is an entry in ClinVar:

NM_199242.3(UNC13D):c.883C>T (p.Gln295Ter)

Gene: UNC13D (unc-13 homolog D; minus strand). Cytogenetic location: 17q25.1.
Variant type: single nucleotide variant.
Coding change: c.883C>T on transcript NM_199242.3 (MANE Select); coding-DNA position 883, C replaced by T.
Protein change: p.Gln295Ter; replaces glutamine 295 with a stop codon.
Molecular consequence: nonsense.
Genome position (GRCh38, 1-based): chr17:75,840,086, G>A on the plus strand (C>T on the coding strand, the complement: UNC13D is on the minus strand). VCF-style: chr17-75840086-G-A. GRCh37 (hg19) VCF-style: chr17-73836167-G-A.
Other names: short protein forms Q295*.
Identifiers: ClinVar variation 1076211 (VCV001076211.7), dbSNP rs2143892028, ClinGen allele CA401107908.

ClinVar aggregate classification (germline): Pathogenic (1 of 4 stars; one submission).

Conditions:
Familial hemophagocytic lymphohistiocytosis 3 (FHL3). Also called: UNC13D-Related Familial Hemophagocytic Lymphohistiocytosis (UNC13D-fHLH). Identifiers: Orphanet 540, MedGen C1837174, MONDO:0012146, OMIM 608898.

Submission:

Labcorp Genetics (formerly Invitae), Labcorp
Classification: Pathogenic for Familial hemophagocytic lymphohistiocytosis 3. Last evaluated: 2021-06-13. Review status: criteria provided, single submitter. Criteria: Invitae Variant Classification Sherloc (09022015). Collection method: clinical testing. Allele origin: germline.
Comment: This sequence change creates a premature translational stop signal (p.Gln295*) in the UNC13D gene. It is expected to result in an absent or disrupted protein product. This variant is not present in population databases (ExAC no frequency). This variant has not been reported in the literature in individuals with UNC13D-related conditions. Loss-of-function variants in UNC13D are known to be pathogenic (PMID: 14622600). For these reasons, this variant has been classified as Pathogenic.

Literature cited by the submitters: PubMed 14622600.